The following is an entry in ClinVar:

ClinVar aggregate classification (germline): Uncertain significance (1 of 4 stars; one submission).

gnomAD v4.1: 7 of 1,613,630 alleles (0.00043%); highest among the groups gnomAD compares: South Asian, 0.0011%; no homozygotes.

Submission:

Labcorp Genetics (formerly Invitae), Labcorp
Classification: Uncertain significance. Last evaluated: 2023-09-29. Review status: criteria provided, single submitter. Criteria: Invitae Variant Classification Sherloc (09022015). Collection method: clinical testing. Allele origin: germline.
Comment: This variant has not been reported in the literature in individuals affected with COL7A1-related conditions. This sequence change falls in intron 11 of the COL7A1 gene. It does not directly change the encoded amino acid sequence of the COL7A1 protein. It affects a nucleotide within the consensus splice site. This variant is not present in population databases (gnomAD no frequency). In summary, the available evidence is currently insufficient to determine the role of this variant in disease. Therefore, it has been classified as a Variant of Uncertain Significance. Variants that disrupt the consensus splice site are a relatively common cause of aberrant splicing (PMID: 17576681, 9536098). Algorithms developed to predict the effect of sequence changes on RNA splicing suggest that this variant is not likely to affect RNA splicing.

Literature cited by the submitters: PubMed 17576681; PubMed 9536098.

NM_000094.4(COL7A1):c.1508-3C>T

Gene: COL7A1 (collagen type VII alpha 1 chain; minus strand). Cytogenetic location: 3p21.31.
Variant type: single nucleotide variant.
Coding change: c.1508-3C>T on transcript NM_000094.4 (MANE Select); 3 bases into the intron before coding-DNA position 1508, C replaced by T.
Molecular consequence: intron variant.
Genome position (GRCh38, 1-based): chr3:48,591,595, G>A on the plus strand (C>T on the coding strand, the complement: COL7A1 is on the minus strand). VCF-style: chr3-48591595-G-A. GRCh37 (hg19) VCF-style: chr3-48629028-G-A.
Identifiers: ClinVar variation 2903877 (VCV002903877.3), dbSNP rs1336934949, ClinGen allele CA907757592.